The following is an entry in ClinVar:

ClinVar aggregate classification (germline): Uncertain significance. Review status: criteria provided, multiple submitters, no conflicts (2 of 4 stars). 2 submissions from 2 submitters: Uncertain significance (2). Last evaluated 2021-08-27.

Conditions:
Majeed syndrome (MJDS). Also called: LPIN2-Related Majeed Syndrome; CHRONIC RECURRENT MULTIFOCAL OSTEOMYELITIS 1, WITH CONGENITAL DYSERYTHROPOIETIC ANEMIA, WITH OR WITHOUT NEUTROPHILIC DERMATOSIS. Identifiers: Orphanet 77297, MedGen C1864997, MONDO:0012316, OMIM 609628.

Allele frequency attached by ClinVar (database versions not stated): gnomAD exomes below 0.00001; TOPMed below 0.00001; gnomAD 0.00001.
gnomAD v4.1: 2 of 1,608,510 alleles (0.00012%); highest among the groups gnomAD compares: Non-Finnish European, 0.00017%; no homozygotes.

Submissions (2):

Labcorp Genetics (formerly Invitae), Labcorp
Classification: Uncertain significance for Majeed syndrome. Last evaluated: 2021-08-27. Review status: criteria provided, single submitter. Criteria: Invitae Variant Classification Sherloc (09022015). Collection method: clinical testing. Allele origin: germline.
Comment: This sequence change replaces phenylalanine with leucine at codon 498 of the LPIN2 protein (p.Phe498Leu). The phenylalanine residue is moderately conserved and there is a small physicochemical difference between phenylalanine and leucine. This variant is not present in population databases (ExAC no frequency). This variant has not been reported in the literature in individuals affected with LPIN2-related conditions. ClinVar contains an entry for this variant (Variation ID: 234336). Algorithms developed to predict the effect of missense changes on protein structure and function are either unavailable or do not agree on the potential impact of this missense change (SIFT: "Tolerated"; PolyPhen-2: "Probably Damaging"; Align-GVGD: "Class C0"). In summary, the available evidence is currently insufficient to determine the role of this variant in disease. Therefore, it has been classified as a Variant of Uncertain Significance.

GeneDx
Classification: Uncertain significance. Last evaluated: 2014-06-02. Review status: criteria provided, single submitter. Criteria: GeneDx Variant Classification (06012015). Collection method: clinical testing. Allele origin: germline. Affected: yes.
Comment: The F498L variant has not been published as a mutation, nor has it been reported as a benign polymorphism to our knowledge. The F498L variant was not observed in approximately 6,500 individuals of European and African American ancestry in the NHLBI Exome Sequencing Project, indicating it is not a common benign variant in these populations. The F498L variant is a conservative amino acid substitution, which is not likely to impact secondary protein structure as these residues share similar properties. However, this substitution occurs at a position that is highly conserved across vertebrates. In silico analysis is inconsistent in its predictions as to whether or not the variant is damaging to the protein structure/function. Therefore, based on the currently available information, it is unclear whether this variant is a pathogenic mutation or a rare benign variant.

NM_001375808.2(LPIN2):c.1492T>C (p.Phe498Leu)

Gene: LPIN2 (lipin 2; minus strand). Cytogenetic location: 18p11.31.
Variant type: single nucleotide variant.
Coding change: c.1492T>C on transcript NM_001375808.2 (MANE Select); coding-DNA position 1492, T replaced by C.
Protein change: p.Phe498Leu; replaces phenylalanine 498 with leucine.
Molecular consequence: missense variant.
Genome position (GRCh38, 1-based): chr18:2,929,123, A>G on the plus strand (T>C on the coding strand, the complement: LPIN2 is on the minus strand). VCF-style: chr18-2929123-A-G. GRCh37 (hg19) VCF-style: chr18-2929121-A-G.
Other names: c.1492T>C, p.Phe498Leu (NM_001375809.1, NM_014646.2); short protein forms F498L.
Identifiers: ClinVar variation 234336 (VCV000234336.7), dbSNP rs876660986, ClinGen allele CA10577582.